The following is an entry in ClinVar:

ClinVar aggregate classification (germline): Likely benign (1 of 4 stars; one submission).

Allele frequency attached by ClinVar (database versions not stated): gnomAD exomes below 0.00001; gnomAD 0.00001.

Submission:

CeGaT Center for Human Genetics Tuebingen
Classification: Likely benign. Last evaluated: 2024-03-01. Review status: criteria provided, single submitter. Criteria: CeGaT Center For Human Genetics Tuebingen Variant Classification Criteria Version 2. Collection method: clinical testing. Allele origin: germline. Affected: yes. Observed: 1 variant allele.
Comment: SETX: BP4, BP7

NM_015046.7(SETX):c.3471A>G (p.Val1157=)

Gene: SETX (senataxin; minus strand). Cytogenetic location: 9q34.13.
Variant type: single nucleotide variant.
Coding change: c.3471A>G on transcript NM_015046.7 (MANE Select); coding-DNA position 3471, A replaced by G.
Protein change: p.Val1157=; no amino-acid change (valine 1157 retained).
Molecular consequence: synonymous variant.
Genome position (GRCh38, 1-based): chr9:132,328,127, T>C on the plus strand (A>G on the coding strand, the complement: SETX is on the minus strand). VCF-style: chr9-132328127-T-C. GRCh37 (hg19) VCF-style: chr9-135203514-T-C.
Other names: c.3471A>G, p.Val1157= (NM_001351527.2, NM_001351528.2).
Identifiers: ClinVar variation 3067535 (VCV003067535.21), dbSNP rs1310875696, ClinGen allele CA467808063.